The following is an entry in ClinVar:

ClinVar aggregate classification (germline): Uncertain significance (1 of 4 stars; one submission).

Conditions:
JAG1-related disorder. Also called: JAG1-related condition; JAG1-related disorders.

Submission:

PreventionGenetics, part of Exact Sciences
Classification: Uncertain significance for JAG1-related condition. Last evaluated: 2026-02-03. Review status: criteria provided, single submitter. Criteria: ACMG Guidelines, 2015. Collection method: clinical testing. Allele origin: germline.
Comment: The JAG1 c.3652G>C variant is predicted to result in the amino acid substitution p.Val1218Leu. To our knowledge, this variant has not been reported in the literature. This variant is reported in 0.00088% of alleles in individuals of European (Non-Finnish) descent in gnomAD. At this time, the clinical significance of this variant is uncertain due to the absence of conclusive functional and genetic evidence.

NM_000214.3(JAG1):c.3652G>C (p.Val1218Leu)

Gene: JAG1 (jagged canonical Notch ligand 1; minus strand). Cytogenetic location: 20p12.2.
Variant type: single nucleotide variant.
Coding change: c.3652G>C on transcript NM_000214.3 (MANE Select); coding-DNA position 3652, G replaced by C.
Protein change: p.Val1218Leu; replaces valine 1218 with leucine.
Molecular consequence: missense variant.
Genome position (GRCh38, 1-based): chr20:10,639,503, C>G on the plus strand (G>C on the coding strand, the complement: JAG1 is on the minus strand). VCF-style: chr20-10639503-C-G. GRCh37 (hg19) VCF-style: chr20-10620151-C-G.
Other names: short protein forms V1218L.
Identifiers: ClinVar variation 4992692 (VCV004992692.1).